The following is an entry in ClinVar:

ClinVar aggregate classification (germline): Conflicting classifications of pathogenicity. Review status: criteria provided, conflicting classifications (1 of 4 stars). 4 submissions from 4 submitters: Uncertain significance (3); Likely benign (1). Last evaluated 2025-09-14.

Conditions:
Alstrom syndrome (ALMS). Identifiers: Orphanet 64, MedGen C0268425, MONDO:0008763, OMIM 203800.
Cardiovascular phenotype. Identifiers: MedGen CN230736.

gnomAD v4.1: 68 of 1,607,162 alleles (0.0042%); highest among the groups gnomAD compares: African/African-American, 0.079%; no homozygotes.

Submissions (4):

Women's Health and Genetics/Laboratory Corporation of America, LabCorp
Classification: Uncertain significance. Last evaluated: 2025-09-14. Review status: criteria provided, single submitter. Criteria: LabCorp Variant Classification Summary - May 2015. Collection method: clinical testing. Allele origin: germline.

GeneDx
Classification: Uncertain significance. Last evaluated: 2023-09-12. Review status: criteria provided, single submitter. Criteria: GeneDx Variant Classification Process June 2021. Collection method: clinical testing. Allele origin: germline. Affected: yes.
Comment: In silico analysis supports that this missense variant does not alter protein structure/function; Has not been previously published as pathogenic or benign to our knowledge

Labcorp Genetics (formerly Invitae), Labcorp
Classification: Uncertain significance for Alstrom syndrome. Last evaluated: 2022-10-04. Review status: criteria provided, single submitter. Criteria: Invitae Variant Classification Sherloc (09022015). Collection method: clinical testing. Allele origin: germline.
Comment: This sequence change replaces arginine, which is basic and polar, with serine, which is neutral and polar, at codon 393 of the ALMS1 protein (p.Arg393Ser). This variant is present in population databases (rs3813227, gnomAD 0.07%). This variant has not been reported in the literature in individuals affected with ALMS1-related conditions. ClinVar contains an entry for this variant (Variation ID: 529379). Experimental studies and prediction algorithms are not available or were not evaluated, and the functional significance of this variant is currently unknown. In summary, the available evidence is currently insufficient to determine the role of this variant in disease. Therefore, it has been classified as a Variant of Uncertain Significance.

Ambry Genetics
Classification: Likely benign for Cardiovascular phenotype. Last evaluated: 2022-02-23. Review status: criteria provided, single submitter. Criteria: Ambry Variant Classification Scheme 2023. Collection method: clinical testing. Allele origin: germline.

NM_001378454.1(ALMS1):c.1174C>A (p.Arg392Ser)

Gene: ALMS1 (ALMS1 centrosome and basal body associated protein; plus strand). Cytogenetic location: 2p13.1.
Variant type: single nucleotide variant.
Coding change: c.1174C>A on transcript NM_001378454.1 (MANE Select); coding-DNA position 1174, C replaced by A.
Protein change: p.Arg392Ser; replaces arginine 392 with serine.
Molecular consequence: missense variant.
Genome position (GRCh38, 1-based): chr2:73,424,839, C>A. VCF-style: chr2-73424839-C-A. GRCh37 (hg19) VCF-style: chr2-73651967-C-A.
Other names: c.1177C>A, p.Arg393Ser (NM_015120.4); short protein forms R393S, R392S.
Identifiers: ClinVar variation 529379 (VCV000529379.15), dbSNP rs3813227, ClinGen allele CA1713060.